The following is an entry in ClinVar:

NM_178857.6(RP1L1):c.520A>C (p.Asn174His)

Gene: RP1L1 (RP1 like 1). Cytogenetic location: 8p23.1.
Variant type: single nucleotide variant.
Coding change: c.520A>C on transcript NM_178857.6 (MANE Select); coding-DNA position 520, A replaced by C.
Protein change: p.Asn174His; replaces asparagine 174 with histidine.
Molecular consequence: missense variant.
Genome position (GRCh38, 1-based): chr8:10,622,682, T>G on the plus strand (A>C on the coding strand, the complement: RP1L1 is on the minus strand). VCF-style: chr8-10622682-T-G. GRCh37 (hg19) VCF-style: chr8-10480192-T-G.
Other names: short protein forms N174H.
Identifiers: ClinVar variation 1010422 (VCV001010422.8), dbSNP rs760782145, ClinGen allele CA4625661.
Genomic context (GRCh38, chr8:10,622,682, plus strand): 5'-TCACAGGAAAGCGCAGGAGATCTGAGGCTTTGCCGAGAAAGGCGGCCAGGTTCCTAGTAT[T>G]CCTGTGACTGAGAACCACTGTCTGCTGGAGGCGAGGGTCCATGTTCTTAATCAGCAGTAT-3'
Protein context (NP_849188.4, residues 164-184): LQQTVVLSHR[Asn174His]TRNLAAFLGK

ClinVar aggregate classification (germline): Uncertain significance (1 of 4 stars; one submission).

Allele frequency attached by ClinVar (database versions not stated): gnomAD exomes below 0.00001 and 0.00001; gnomAD 0.00001; ExAC 0.00002; TOPMed 0.00002.
gnomAD v4.1: 1 of 1,614,168 alleles (0.000062%); highest among the groups gnomAD compares: African/African-American, 0.0013%; no homozygotes.

Submission:

Labcorp Genetics (formerly Invitae), Labcorp
Classification: Uncertain significance. Last evaluated: 2022-03-19. Review status: criteria provided, single submitter. Criteria: Invitae Variant Classification Sherloc (09022015). Collection method: clinical testing. Allele origin: germline.
Comment: Advanced modeling of protein sequence and biophysical properties (such as structural, functional, and spatial information, amino acid conservation, physicochemical variation, residue mobility, and thermodynamic stability) performed at Invitae indicates that this missense variant is not expected to disrupt RP1L1 protein function. In summary, the available evidence is currently insufficient to determine the role of this variant in disease. Therefore, it has been classified as a Variant of Uncertain Significance. ClinVar contains an entry for this variant (Variation ID: 1010422). This sequence change replaces asparagine, which is neutral and polar, with histidine, which is basic and polar, at codon 174 of the RP1L1 protein (p.Asn174His). This variant is not present in population databases (gnomAD no frequency). This variant has not been reported in the literature in individuals affected with RP1L1-related conditions.